The following is an entry in ClinVar:

ClinVar aggregate classification (germline): Uncertain significance. Review status: criteria provided, multiple submitters, no conflicts (2 of 4 stars). 2 submissions from 2 submitters: Uncertain significance (2). Last evaluated 2024-07-10.

Conditions:
Inborn genetic diseases. Identifiers: MedGen C0950123, MeSH D030342.

Allele frequency attached by ClinVar (database versions not stated): gnomAD 0.00001; TOPMed 0.00001.
gnomAD v4.1: 15 of 1,613,012 alleles (0.00093%); highest among the groups gnomAD compares: East Asian, 0.0022%; no homozygotes.

Submissions (2):

Ambry Genetics
Classification: Uncertain significance for Inborn genetic diseases. Last evaluated: 2024-07-10. Review status: criteria provided, single submitter. Criteria: Ambry Variant Classification Scheme 2023. Collection method: clinical testing. Allele origin: germline.

Labcorp Genetics (formerly Invitae), Labcorp
Classification: Uncertain significance. Last evaluated: 2023-02-14. Review status: criteria provided, single submitter. Criteria: Invitae Variant Classification Sherloc (09022015). Collection method: clinical testing. Allele origin: germline.
Comment: This sequence change replaces aspartic acid, which is acidic and polar, with asparagine, which is neutral and polar, at codon 300 of the PACS2 protein (p.Asp300Asn). This variant is present in population databases (no rsID available, gnomAD 0.0009%). This variant has not been reported in the literature in individuals affected with PACS2-related conditions. An algorithm developed to predict the effect of missense changes on protein structure and function (PolyPhen-2) suggests that this variant is likely to be disruptive. In summary, the available evidence is currently insufficient to determine the role of this variant in disease. Therefore, it has been classified as a Variant of Uncertain Significance.

NM_001100913.3(PACS2):c.898G>A (p.Asp300Asn)

Gene: PACS2 (phosphofurin acidic cluster sorting protein 2; plus strand). Cytogenetic location: 14q32.33.
Variant type: single nucleotide variant.
Coding change: c.898G>A on transcript NM_001100913.3 (MANE Select); coding-DNA position 898, G replaced by A.
Protein change: p.Asp300Asn; replaces aspartic acid 300 with asparagine.
Molecular consequence: missense variant.
Genome position (GRCh38, 1-based): chr14:105,376,864, G>A. VCF-style: chr14-105376864-G-A. GRCh37 (hg19) VCF-style: chr14-105843201-G-A.
Other names: c.898G>A (NM_001100913.2); c.673G>A, p.Asp225Asn (NM_001243127.3); c.898G>A, p.Asp300Asn (NM_015197.4); short protein forms D225N, D300N.
Identifiers: ClinVar variation 3017316 (VCV003017316.4), dbSNP rs782773260, ClinGen allele CA391179015.
Genomic context (GRCh38, chr14:105,376,864, plus strand): 5'-CCCGAGGCAGAGGAGGACCTGGACCTCCTGTATGACACCCTGGACATGGAGCACCCCAGC[G>A]ACAGCGGCCCCGACATGGAGGATGACGACAGCGTCCTCAGCACCCCCAAGCCGAAGCTGC-3'
Protein context (NP_001094383.2, residues 290-310): YDTLDMEHPS[Asp300Asn]SGPDMEDDDS